The following is an entry in ClinVar:

NM_000246.4(CIITA):c.839C>T (p.Ser280Phe)

Gene: CIITA (class II major histocompatibility complex transactivator; plus strand). Cytogenetic location: 16p13.13.
Variant type: single nucleotide variant.
Coding change: c.839C>T on transcript NM_000246.4 (MANE Select); coding-DNA position 839, C replaced by T.
Protein change: p.Ser280Phe; replaces serine 280 with phenylalanine.
Molecular consequence: missense variant. On other transcripts: non-coding transcript variant (1).
Genome position (GRCh38, 1-based): chr16:10,903,797, C>T. VCF-style: chr16-10903797-C-T. GRCh37 (hg19) VCF-style: chr16-10997654-C-T.
Other names: c.842C>T, p.Ser281Phe (NM_001286402.1, NM_001379332.1); c.692C>T, p.Ser231Phe (NM_001286403.2, NM_001379331.1); c.695C>T, p.Ser232Phe (NM_001379330.1); c.839C>T, p.Ser280Phe (NM_001379333.1); c.770C>T, p.Ser257Phe (NM_001379334.1); short protein forms S231F, S232F, S257F, S280F, S281F.
Identifiers: ClinVar variation 1964141 (VCV001964141.2), dbSNP rs759597092, ClinGen allele CA7899925.

ClinVar aggregate classification (germline): Uncertain significance (1 of 4 stars; one submission).

Conditions:
MHC class II deficiency. Also called: Bare lymphocyte syndrome 2; BLS, TYPE II. Identifiers: Orphanet 572, MedGen C5447452, MONDO:0008855.

Allele frequency attached by ClinVar (database versions not stated): ExAC 0.00002; gnomAD 0.00003; TOPMed 0.00001.
gnomAD v4.1: 31 of 1,614,114 alleles (0.0019%); highest among the groups gnomAD compares: African/African-American, 0.0067%; no homozygotes.

Submission:

Labcorp Genetics (formerly Invitae), Labcorp
Classification: Uncertain significance for MHC class II deficiency. Last evaluated: 2022-09-01. Review status: criteria provided, single submitter. Criteria: Invitae Variant Classification Sherloc (09022015). Collection method: clinical testing. Allele origin: germline.
Comment: This sequence change replaces serine, which is neutral and polar, with phenylalanine, which is neutral and non-polar, at codon 280 of the CIITA protein (p.Ser280Phe). This variant is present in population databases (rs759597092, gnomAD 0.007%). This variant has not been reported in the literature in individuals affected with CIITA-related conditions. Algorithms developed to predict the effect of missense changes on protein structure and function are either unavailable or do not agree on the potential impact of this missense change (SIFT: "Deleterious"; PolyPhen-2: "Probably Damaging"; Align-GVGD: "Class C0"). In summary, the available evidence is currently insufficient to determine the role of this variant in disease. Therefore, it has been classified as a Variant of Uncertain Significance.